The following is an entry in ClinVar:

ClinVar aggregate classification (germline): Conflicting classifications of pathogenicity. Review status: criteria provided, conflicting classifications (1 of 4 stars). 4 submissions from 4 submitters: Uncertain significance (3); Likely benign (1). Last evaluated 2025-08-11.

Conditions:
Fanconi anemia (FA). Also called: Fanconi's anemia. Identifiers: Orphanet 84, MedGen C0015625, MeSH D005199, MONDO:0019391.
Spermatogenic failure 28. Identifiers: MedGen C4748117, MONDO:0054732, OMIM 618086.
Premature ovarian failure 15. Identifiers: MedGen C4748170, MONDO:0054862, OMIM 618096.

Allele frequency attached by ClinVar (database versions not stated): ExAC 0.00001; gnomAD 0.00001; gnomAD exomes 0.00001.
gnomAD v4.1: 24 of 1,613,604 alleles (0.0015%); highest among the groups gnomAD compares: Non-Finnish European, 0.0019%; no homozygotes.

Submissions (4):

Labcorp Genetics (formerly Invitae), Labcorp
Classification: Uncertain significance for Fanconi anemia. Last evaluated: 2025-08-11. Review status: criteria provided, single submitter. Criteria: Invitae Variant Classification Sherloc (09022015). Collection method: clinical testing. Allele origin: germline.
Comment: This sequence change replaces glutamic acid, which is acidic and polar, with lysine, which is basic and polar, at codon 1300 of the FANCM protein (p.Glu1300Lys). This variant is present in population databases (rs751795256, gnomAD 0.002%). This variant has not been reported in the literature in individuals affected with FANCM-related conditions. ClinVar contains an entry for this variant (Variation ID: 1370169). An algorithm developed to predict the effect of missense changes on protein structure and function outputs the following: PolyPhen-2: "Benign". The lysine amino acid residue is found in multiple mammalian species, which suggests that this missense change does not adversely affect protein function. In summary, the available evidence is currently insufficient to determine the role of this variant in disease. Therefore, it has been classified as a Variant of Uncertain Significance.

GeneDx
Classification: Uncertain significance. Last evaluated: 2023-06-16. Review status: criteria provided, single submitter. Criteria: GeneDx Variant Classification Process June 2021. Collection method: clinical testing. Allele origin: germline. Affected: yes.
Comment: Not observed at significant frequency in large population cohorts (gnomAD); In silico analysis supports that this missense variant does not alter protein structure/function; Has not been previously published as pathogenic or benign to our knowledge

Fulgent Genetics
Classification: Uncertain significance for Spermatogenic failure 28; Premature ovarian failure 15. Last evaluated: 2022-03-24. Review status: criteria provided, single submitter. Criteria: ACMG Guidelines, 2015. Collection method: clinical testing. Allele origin: unknown.

Blueprint Genetics
Classification: Likely benign. Last evaluated: 2021-10-21. Review status: criteria provided, single submitter. Criteria: ACMG Guidelines, 2015. Collection method: clinical testing. Allele origin: germline.

NM_020937.4(FANCM):c.3898G>A (p.Glu1300Lys)

Gene: FANCM (FA complementation group M; plus strand). Cytogenetic location: 14q21.2.
Variant type: single nucleotide variant.
Coding change: c.3898G>A on transcript NM_020937.4 (MANE Select); coding-DNA position 3898, G replaced by A.
Protein change: p.Glu1300Lys; replaces glutamic acid 1300 with lysine.
Molecular consequence: missense variant.
Genome position (GRCh38, 1-based): chr14:45,176,652, G>A. VCF-style: chr14-45176652-G-A. GRCh37 (hg19) VCF-style: chr14-45645855-G-A.
Other names: c.3898G>A (NM_020937.2); c.3820G>A, p.Glu1274Lys (NM_001308133.2); short protein forms E1274K, E1300K.
Identifiers: ClinVar variation 1370169 (VCV001370169.9), dbSNP rs751795256, ClinGen allele CA7169595.